The following is an entry in ClinVar:

ClinVar aggregate classification (germline): Uncertain significance. Review status: criteria provided, multiple submitters, no conflicts (2 of 4 stars). 2 submissions from 2 submitters: Uncertain significance (2). Last evaluated 2024-04-11.

Conditions:
Pyridoxal phosphate-responsive seizures (PNPOD). Also called: SEIZURES, PYRIDOXINE-RESISTANT, PLP-SENSITIVE; EPILEPTIC ENCEPHALOPATHY, NEONATAL, PNPO-RELATED; Pyridoxine-5'-phosphate oxidase deficiency; Pyridoxal 5'-Phosphate (PLP)-Dependent Epilepsy; Pyridoxamine 5-Prime-Phosphate Oxidase Deficiency. Identifiers: Orphanet 79096, MedGen C1864723, MONDO:0012407, OMIM 610090. Disease mechanism: loss of function.

Allele frequency attached by ClinVar (database versions not stated): gnomAD 0.00001; TOPMed 0.00001.
gnomAD v4.1: 3 of 1,564,658 alleles (0.00019%); highest among the groups gnomAD compares: Admixed American, 0.0056%; no homozygotes.

Submissions (2):

GeneDx
Classification: Uncertain significance. Last evaluated: 2024-04-11. Review status: criteria provided, single submitter. Criteria: GeneDx Variant Classification Process June 2021. Collection method: clinical testing. Allele origin: germline. Affected: yes.
Comment: Not observed at significant frequency in large population cohorts (gnomAD); In silico analysis indicates that this missense variant does not alter protein structure/function; Has not been previously published as pathogenic or benign to our knowledge

Labcorp Genetics (formerly Invitae), Labcorp
Classification: Uncertain significance for Pyridoxal phosphate-responsive seizures. Last evaluated: 2022-02-10. Review status: criteria provided, single submitter. Criteria: Invitae Variant Classification Sherloc (09022015). Collection method: clinical testing. Allele origin: germline.
Comment: This sequence change replaces alanine, which is neutral and non-polar, with valine, which is neutral and non-polar, at codon 30 of the PNPO protein (p.Ala30Val). The frequency data for this variant in the population databases is considered unreliable, as metrics indicate poor data quality at this position in the gnomAD database. This variant has not been reported in the literature in individuals affected with PNPO-related conditions. ClinVar contains an entry for this variant (Variation ID: 206457). Algorithms developed to predict the effect of missense changes on protein structure and function output the following: SIFT: "Tolerated"; PolyPhen-2: "Benign"; Align-GVGD: "Class C0". The valine amino acid residue is found in multiple mammalian species, which suggests that this missense change does not adversely affect protein function. In summary, the available evidence is currently insufficient to determine the role of this variant in disease. Therefore, it has been classified as a Variant of Uncertain Significance.

NM_018129.4(PNPO):c.89C>T (p.Ala30Val)

Gene: PNPO (pyridoxamine 5'-phosphate oxidase; plus strand). Cytogenetic location: 17q21.32.
Variant type: single nucleotide variant.
Coding change: c.89C>T on transcript NM_018129.4 (MANE Select); coding-DNA position 89, C replaced by T.
Protein change: p.Ala30Val; replaces alanine 30 with valine.
Molecular consequence: missense variant.
Genome position (GRCh38, 1-based): chr17:47,941,764, C>T. VCF-style: chr17-47941764-C-T. GRCh37 (hg19) VCF-style: chr17-46019130-C-T.
Other names: p.A30V:GCT>GTT; short protein forms A30V.
Identifiers: ClinVar variation 206457 (VCV000206457.8), dbSNP rs796052871, ClinGen allele CA316578.